The following is an entry in ClinVar:

NM_000203.5(IDUA):c.905C>G (p.Pro302Arg)

Gene: IDUA (alpha-L-iduronidase; plus strand). Cytogenetic location: 4p16.3.
Variant type: single nucleotide variant.
Coding change: c.905C>G on transcript NM_000203.5 (MANE Select); coding-DNA position 905, C replaced by G.
Protein change: p.Pro302Arg; replaces proline 302 with arginine.
Molecular consequence: missense variant. On other transcripts: non-coding transcript variant (1).
Genome position (GRCh38, 1-based): chr4:1,002,094, C>G. VCF-style: chr4-1002094-C-G. GRCh37 (hg19) VCF-style: chr4-995882-C-G.
Other names: c.509C>G, p.Pro170Arg (NM_001363576.1); short protein forms P302R, P170R.
Identifiers: ClinVar variation 1521384 (VCV001521384.8), dbSNP rs767140903, ClinGen allele CA2802118.

ClinVar aggregate classification (germline): Likely pathogenic (1 of 4 stars; one submission).

Conditions:
Mucopolysaccharidosis type 1. Also called: IDUA deficiency; MPS I; Mucopolysaccharidosis Type I. Identifiers: Orphanet 579, MedGen C0023786, MONDO:0001586.

Allele frequency attached by ClinVar (database versions not stated): ExAC 0.00003.

Submission:

Labcorp Genetics (formerly Invitae), Labcorp
Classification: Likely pathogenic for Mucopolysaccharidosis type 1. Last evaluated: 2023-08-28. Review status: criteria provided, single submitter. Criteria: Invitae Variant Classification Sherloc (09022015). Collection method: clinical testing. Allele origin: germline.
Comment: In summary, the currently available evidence indicates that the variant is pathogenic, but additional data are needed to prove that conclusively. Therefore, this variant has been classified as Likely Pathogenic. This variant disrupts the p.Pro302 amino acid residue in IDUA. Other variant(s) that disrupt this residue have been determined to be pathogenic (PMID: 28728811). This suggests that this residue is clinically significant, and that variants that disrupt this residue are likely to be disease-causing. Advanced modeling of protein sequence and biophysical properties (such as structural, functional, and spatial information, amino acid conservation, physicochemical variation, residue mobility, and thermodynamic stability) performed at Invitae indicates that this missense variant is expected to disrupt IDUA protein function. ClinVar contains an entry for this variant (Variation ID: 1521384). This variant has not been reported in the literature in individuals affected with IDUA-related conditions. This variant is not present in population databases (gnomAD no frequency). This sequence change replaces proline, which is neutral and non-polar, with arginine, which is basic and polar, at codon 302 of the IDUA protein (p.Pro302Arg).

Literature cited by the submitters: PubMed 28728811.